The following is an entry in ClinVar:

NM_021625.5(TRPV4):c.2270G>A (p.Arg757His)

Gene: TRPV4 (transient receptor potential cation channel subfamily V member 4; minus strand). Cytogenetic location: 12q24.11.
Variant type: single nucleotide variant.
Coding change: c.2270G>A on transcript NM_021625.5 (MANE Select); coding-DNA position 2270, G replaced by A.
Protein change: p.Arg757His; replaces arginine 757 with histidine.
Molecular consequence: missense variant.
Genome position (GRCh38, 1-based): chr12:109,786,776, C>T on the plus strand (G>A on the coding strand, the complement: TRPV4 is on the minus strand). VCF-style: chr12-109786776-C-T. GRCh37 (hg19) VCF-style: chr12-110224581-C-T.
Other names: c.2129G>A, p.Arg710His (NM_001177428.2); c.2168G>A, p.Arg723His (NM_001177431.2); c.1949G>A, p.Arg650His (NM_001177433.2); c.2090G>A, p.Arg697His (NM_147204.3); short protein forms R650H, R710H, R723H, R757H, R697H.
Identifiers: ClinVar variation 1521026 (VCV001521026.9), dbSNP rs143835743, ClinGen allele CA6779974.

ClinVar aggregate classification (germline): Uncertain significance. Review status: criteria provided, multiple submitters, no conflicts (2 of 4 stars). 3 submissions from 3 submitters: Uncertain significance (3). Last evaluated 2025-11-06.

Conditions:
Charcot-Marie-Tooth disease axonal type 2C (HMSN2C). Also called: CHARCOT-MARIE-TOOTH DISEASE, AXONAL, AUTOSOMAL DOMINANT, TYPE 2C; Charcot-Marie-Tooth Neuropathy Type 2C; Charcot-Marie-Tooth Disease Type 2, TRPV4-Related (CMT2C). Identifiers: Orphanet 99937, MedGen C1853710, MONDO:0011633, OMIM 606071.
TRPV4-related disorder. Also called: TRPV4-related condition; TRPV4-related disorders.

Allele frequency attached by ClinVar (database versions not stated): gnomAD exomes 0.00001; ExAC 0.00002; TOPMed 0.00003; gnomAD 0.00005; ESP Exome Variant Server 0.00008.
gnomAD v4.1: 16 of 1,613,938 alleles (0.00099%); highest among the groups gnomAD compares: Middle Eastern, 0.016%; no homozygotes.

Submissions (3):

Women's Health and Genetics/Laboratory Corporation of America, LabCorp
Classification: Uncertain significance. Last evaluated: 2025-11-06. Review status: criteria provided, single submitter. Criteria: LabCorp Variant Classification Summary - May 2015. Collection method: clinical testing. Allele origin: germline.
Comment: Variant summary: TRPV4 c.2270G>A (p.Arg757His) results in a non-conservative amino acid change in the encoded protein sequence. Algorithms developed to predict the effect of missense changes on protein structure and function all suggest that this variant is likely to be disruptive. The variant allele was found at a frequency of 8e-06 in 250860 control chromosomes. The available data on variant occurrences in the general population are insufficient to allow any conclusion about variant significance. To our knowledge, no occurrence of c.2270G>A in individuals affected with TRPV4-related conditions and no experimental evidence demonstrating its impact on protein function have been reported. ClinVar contains an entry for this variant (Variation ID: 1521026). Based on the evidence outlined above, the variant was classified as uncertain significance.

Labcorp Genetics (formerly Invitae), Labcorp
Classification: Uncertain significance for Charcot-Marie-Tooth disease axonal type 2C. Last evaluated: 2025-07-23. Review status: criteria provided, single submitter. Criteria: Invitae Variant Classification Sherloc (09022015). Collection method: clinical testing. Allele origin: germline.
Comment: This sequence change replaces arginine, which is basic and polar, with histidine, which is basic and polar, at codon 757 of the TRPV4 protein (p.Arg757His). This variant is present in population databases (rs143835743, gnomAD 0.008%). This variant has not been reported in the literature in individuals affected with TRPV4-related conditions. ClinVar contains an entry for this variant (Variation ID: 1521026). Invitae Evidence Modeling of protein sequence and biophysical properties (such as structural, functional, and spatial information, amino acid conservation, physicochemical variation, residue mobility, and thermodynamic stability) has been performed for this missense variant. However, the output from this modeling did not meet the statistical confidence thresholds required to predict the impact of this variant on TRPV4 protein function. In summary, the available evidence is currently insufficient to determine the role of this variant in disease. Therefore, it has been classified as a Variant of Uncertain Significance.

PreventionGenetics, part of Exact Sciences
Classification: Uncertain significance for TRPV4-related condition. Last evaluated: 2025-04-01. Review status: criteria provided, single submitter. Criteria: ACMG Guidelines, 2015. Collection method: clinical testing. Allele origin: germline.
Comment: The TRPV4 c.2270G>A variant is predicted to result in the amino acid substitution p.Arg757His. To our knowledge, this variant has not been reported in the literature. This variant is reported in 0.012% of alleles in individuals of African descent in gnomAD. At this time, the clinical significance of this variant is uncertain due to the absence of conclusive functional and genetic evidence.